The following is an entry in ClinVar:

ClinVar aggregate classification (germline): Uncertain significance (1 of 4 stars; one submission).

gnomAD v4.1: 2 of 1,612,038 alleles (0.00012%); highest among the groups gnomAD compares: Non-Finnish European, 0.000085%; no homozygotes.

Submission:

CeGaT Center for Human Genetics Tuebingen
Classification: Uncertain significance. Last evaluated: 2024-03-01. Review status: criteria provided, single submitter. Criteria: CeGaT Center For Human Genetics Tuebingen Variant Classification Criteria Version 2. Collection method: clinical testing. Allele origin: germline. Affected: yes. Observed: 1 variant allele.
Comment: ADGRV1: PM2, PM3:Supporting

NM_032119.4(ADGRV1):c.12786C>A (p.Ser4262Arg)

Gene: ADGRV1 (adhesion G protein-coupled receptor V1; plus strand). Cytogenetic location: 5q14.3.
Variant type: single nucleotide variant.
Coding change: c.12786C>A on transcript NM_032119.4 (MANE Select); coding-DNA position 12786, C replaced by A.
Protein change: p.Ser4262Arg; replaces serine 4262 with arginine.
Molecular consequence: missense variant. On other transcripts: non-coding transcript variant (1).
Genome position (GRCh38, 1-based): chr5:90,778,546, C>A. VCF-style: chr5-90778546-C-A. GRCh37 (hg19) VCF-style: chr5-90074363-C-A.
Other names: short protein forms S4262R.
Identifiers: ClinVar variation 3067662 (VCV003067662.21), dbSNP rs201777525, ClinGen allele CA360388298.